The following is an entry in ClinVar:

NM_000051.4(ATM):c.718C>G (p.Leu240Val)

Gene: ATM (ATM serine/threonine kinase; plus strand). Cytogenetic location: 11q22.3.
Variant type: single nucleotide variant.
Coding change: c.718C>G on transcript NM_000051.4 (MANE Select); coding-DNA position 718, C replaced by G.
Protein change: p.Leu240Val; replaces leucine 240 with valine.
Molecular consequence: missense variant.
Genome position (GRCh38, 1-based): chr11:108,244,843, C>G. VCF-style: chr11-108244843-C-G. GRCh37 (hg19) VCF-style: chr11-108115570-C-G.
Other names: c.718C>G, p.Leu240Val (NM_001351834.2); short protein forms L240V.
Identifiers: ClinVar variation 1757582 (VCV001757582.2), dbSNP rs1210038351, ClinGen allele CA382529195.

ClinVar aggregate classification (germline): Uncertain significance (1 of 4 stars; one submission).

Conditions:
Hereditary cancer-predisposing syndrome. Also called: Neoplastic Syndromes, Hereditary; Tumor predisposition; Hereditary Cancer Syndrome; Hereditary neoplastic syndrome. Identifiers: Orphanet 140162, MedGen C0027672, MeSH D009386, MONDO:0015356.

Submission:

Ambry Genetics
Classification: Uncertain significance for Hereditary cancer-predisposing syndrome. Last evaluated: 2020-08-11. Review status: criteria provided, single submitter. Criteria: Ambry Variant Classification Scheme 2023. Collection method: clinical testing. Allele origin: germline.
Comment: The p.L240V variant (also known as c.718C>G), located in coding exon 6 of the ATM gene, results from a C to G substitution at nucleotide position 718. The leucine at codon 240 is replaced by valine, an amino acid with highly similar properties. This amino acid position is not well conserved in available vertebrate species. In addition, this alteration is predicted to be tolerated by in silico analysis. Since supporting evidence is limited at this time, the clinical significance of this alteration remains unclear.